The following is an entry in ClinVar:

NM_000294.3(PHKG2):c.920G>A (p.Arg307Gln)

Gene: PHKG2 (phosphorylase kinase catalytic subunit gamma 2; plus strand). Cytogenetic location: 16p11.2.
Variant type: single nucleotide variant.
Coding change: c.920G>A on transcript NM_000294.3 (MANE Select); coding-DNA position 920, G replaced by A.
Protein change: p.Arg307Gln; replaces arginine 307 with glutamine.
Molecular consequence: missense variant.
Genome position (GRCh38, 1-based): chr16:30,756,708, G>A. VCF-style: chr16-30756708-G-A. GRCh37 (hg19) VCF-style: chr16-30768029-G-A.
Other names: c.920G>A, p.Arg307Gln (NM_001172432.2); short protein forms R307Q.
Identifiers: ClinVar variation 573174 (VCV000573174.8), dbSNP rs145390070, ClinGen allele CA8013339.

ClinVar aggregate classification (germline): Uncertain significance. Review status: criteria provided, multiple submitters, no conflicts (2 of 4 stars). 3 submissions from 3 submitters: Uncertain significance (3). Last evaluated 2025-09-25.

Conditions:
Glycogen storage disease IXc (GSD9C). Also called: GSD IXc. Identifiers: Orphanet 264580, MedGen C2751643, MONDO:0013091, OMIM 613027.
Inborn genetic diseases. Identifiers: MedGen C0950123, MeSH D030342.

Allele frequency attached by ClinVar (database versions not stated): ExAC 0.00003; gnomAD exomes 0.00004 and 0.00005; TOPMed 0.00017; gnomAD 0.00018 and 0.00019; ESP Exome Variant Server 0.00023.
gnomAD v4.1: 101 of 1,613,976 alleles (0.0063%); highest among the groups gnomAD compares: Admixed American, 0.027%; no homozygotes.

Submissions (3):

Ambry Genetics
Classification: Uncertain significance for Inborn genetic diseases. Last evaluated: 2025-09-25. Review status: criteria provided, single submitter. Criteria: Ambry Variant Classification Scheme 2023. Collection method: clinical testing. Allele origin: germline.

Labcorp Genetics (formerly Invitae), Labcorp
Classification: Uncertain significance for Glycogen storage disease IXc. Last evaluated: 2021-08-13. Review status: criteria provided, single submitter. Criteria: Invitae Variant Classification Sherloc (09022015). Collection method: clinical testing. Allele origin: germline.
Comment: This sequence change replaces arginine with glutamine at codon 307 of the PHKG2 protein (p.Arg307Gln). The arginine residue is highly conserved and there is a small physicochemical difference between arginine and glutamine. This variant is present in population databases (rs145390070, ExAC 0.02%). This variant has not been reported in the literature in individuals affected with PHKG2-related conditions. Algorithms developed to predict the effect of missense changes on protein structure and function are either unavailable or do not agree on the potential impact of this missense change (SIFT: "Deleterious"; PolyPhen-2: "Benign"; Align-GVGD: "Class C35"). Algorithms developed to predict the effect of sequence changes on RNA splicing suggest that this variant may create or strengthen a splice site. In summary, the available evidence is currently insufficient to determine the role of this variant in disease. Therefore, it has been classified as a Variant of Uncertain Significance.

Fulgent Genetics
Classification: Uncertain significance for Glycogen storage disease IXc. Last evaluated: 2021-07-14. Review status: criteria provided, single submitter. Criteria: ACMG Guidelines, 2015. Collection method: clinical testing. Allele origin: unknown.